The following is an entry in ClinVar:

ClinVar aggregate classification (germline): Uncertain significance (1 of 4 stars; one submission).

Conditions:
Progressive myoclonic epilepsy type 5. Identifiers: Orphanet 402082, MedGen C5190799.

Submission:

Labcorp Genetics (formerly Invitae), Labcorp
Classification: Uncertain significance for Progressive myoclonic epilepsy type 5. Last evaluated: 2021-05-14. Review status: criteria provided, single submitter. Criteria: Invitae Variant Classification Sherloc (09022015). Collection method: clinical testing. Allele origin: germline.
Comment: In summary, the available evidence is currently insufficient to determine the role of this variant in disease. Therefore, it has been classified as a Variant of Uncertain Significance. Algorithms developed to predict the effect of missense changes on protein structure and function (SIFT, PolyPhen-2, Align-GVGD) all suggest that this variant is likely to be disruptive, but these predictions have not been confirmed by published functional studies and their clinical significance is uncertain. This variant has not been reported in the literature in individuals with PRICKLE2-related conditions. This variant is not present in population databases (ExAC no frequency). This sequence change replaces alanine with proline at codon 329 of the PRICKLE2 protein (p.Ala329Pro). The alanine residue is highly conserved and there is a small physicochemical difference between alanine and proline.

NM_198859.4(PRICKLE2):c.985G>C (p.Ala329Pro)

Gene: PRICKLE2 (prickle planar cell polarity protein 2; minus strand). Cytogenetic location: 3p14.1.
Variant type: single nucleotide variant.
Coding change: c.985G>C on transcript NM_198859.4 (MANE Select); coding-DNA position 985, G replaced by C.
Protein change: p.Ala329Pro; replaces alanine 329 with proline.
Molecular consequence: missense variant.
Genome position (GRCh38, 1-based): chr3:64,147,505, C>G on the plus strand (G>C on the coding strand, the complement: PRICKLE2 is on the minus strand). VCF-style: chr3-64147505-C-G. GRCh37 (hg19) VCF-style: chr3-64133181-C-G.
Other names: c.985G>C, p.Ala329Pro (NM_001370528.1); short protein forms A329P.
Identifiers: ClinVar variation 1490989 (VCV001490989.8), dbSNP rs1447125975, ClinGen allele CA353431972.